The following is an entry in ClinVar:

NM_021815.5(SLC5A7):c.1220A>G (p.Tyr407Cys)

Gene: SLC5A7 (solute carrier family 5 member 7; plus strand). Cytogenetic location: 2q12.3.
Variant type: single nucleotide variant.
Coding change: c.1220A>G on transcript NM_021815.5 (MANE Select); coding-DNA position 1220, A replaced by G.
Protein change: p.Tyr407Cys; replaces tyrosine 407 with cysteine.
Molecular consequence: missense variant.
Genome position (GRCh38, 1-based): chr2:108,010,338, A>G. VCF-style: chr2-108010338-A-G. GRCh37 (hg19) VCF-style: chr2-108626794-A-G.
Other names: c.1220A>G, p.Tyr407Cys (NM_001305005.3); c.905A>G, p.Tyr302Cys (NM_001305006.3); c.479A>G, p.Tyr160Cys (NM_001305007.3); short protein forms Y407C, Y302C, Y160C.
Identifiers: ClinVar variation 2947970 (VCV002947970.3), dbSNP rs778262881, ClinGen allele CA1819148.

ClinVar aggregate classification (germline): Uncertain significance (1 of 4 stars; one submission).

Conditions:
Congenital myasthenic syndrome 20. Also called: Myasthenic syndrome, congenital, 20, presynaptic. Identifiers: MedGen C4310694, MONDO:0014939, OMIM 617143.
Neuronopathy, distal hereditary motor, type 7A. Also called: HARPER-YOUNG MYOPATHY; HMN VIIA; SPINAL MUSCULAR ATROPHY, DISTAL, WITH VOCAL CORD PARALYSIS; Neuronopathy, distal hereditary motor, type viia; NEURONOPATHY, DISTAL HEREDITARY MOTOR, HARDING TYPE VIIA; NEUROPATHY, DISTAL HEREDITARY MOTOR, HARDING TYPE VIIA. Identifiers: Orphanet 139589, MedGen C1834703, MONDO:0008024, OMIM 158580.

Allele frequency attached by ClinVar (database versions not stated): TOPMed below 0.00001; ExAC 0.00001; gnomAD 0.00001; gnomAD exomes 0.00001.
gnomAD v4.1: 7 of 1,613,738 alleles (0.00043%); highest among the groups gnomAD compares: Non-Finnish European, 0.00059%; no homozygotes.

Submission:

Labcorp Genetics (formerly Invitae), Labcorp
Classification: Uncertain significance for Neuronopathy, distal hereditary motor, type 7A; Congenital myasthenic syndrome 20. Last evaluated: 2023-07-03. Review status: criteria provided, single submitter. Criteria: Invitae Variant Classification Sherloc (09022015). Collection method: clinical testing. Allele origin: germline.
Comment: In summary, the available evidence is currently insufficient to determine the role of this variant in disease. Therefore, it has been classified as a Variant of Uncertain Significance. Advanced modeling of protein sequence and biophysical properties (such as structural, functional, and spatial information, amino acid conservation, physicochemical variation, residue mobility, and thermodynamic stability) performed at Invitae indicates that this missense variant is expected to disrupt SLC5A7 protein function. This sequence change replaces tyrosine, which is neutral and polar, with cysteine, which is neutral and slightly polar, at codon 407 of the SLC5A7 protein (p.Tyr407Cys). This variant is present in population databases (rs778262881, gnomAD 0.002%). This variant has not been reported in the literature in individuals affected with SLC5A7-related conditions.